The following is an entry in ClinVar:

NM_198965.2(PTHLH):c.166C>T (p.Arg56Ter)

Gene: PTHLH (parathyroid hormone like hormone; minus strand). Cytogenetic location: 12p11.22.
Variant type: single nucleotide variant.
Coding change: c.166C>T on transcript NM_198965.2 (MANE Select); coding-DNA position 166, C replaced by T.
Protein change: p.Arg56Ter; replaces arginine 56 with a stop codon.
Molecular consequence: nonsense.
Genome position (GRCh38, 1-based): chr12:27,963,706, G>A on the plus strand (C>T on the coding strand, the complement: PTHLH is on the minus strand). VCF-style: chr12-27963706-G-A. GRCh37 (hg19) VCF-style: chr12-28116639-G-A.
Other names: c.166C>T, p.Arg56Ter (NM_002820.3, NM_198964.2, NM_198966.2); short protein forms R56*.
Identifiers: ClinVar variation 3362250 (VCV003362250.3).

ClinVar aggregate classification (germline): Pathogenic. Review status: criteria provided, multiple submitters, no conflicts (2 of 4 stars). 2 submissions from 2 submitters: Pathogenic (2). Last evaluated 2024-09-01.

Conditions:
PTHLH-related disorder. Also called: PTHLH-related condition.
Brachydactyly type E2 (BDE2). Identifiers: Orphanet 93387, MedGen C3150644, MONDO:0013244, OMIM 613382.

Submissions (2):

Suzhou Clinical Center for Rare Diseases in Children, Children's Hospital of Soochow University
Classification: Pathogenic for Brachydactyly type E2. Last evaluated: 2024-09-01. Review status: criteria provided, single submitter. Criteria: ACMG Guidelines, 2015. Collection method: clinical testing. Allele origin: de novo. Affected: yes.
Comment: The NM_198965.2:c.166C>T (p.Arg56Ter) variant of PTHLH is a nonsense variant that may lead to premature termination and NMD (PVS1). This variant was reported in brachydactyly patient (PMID: 28211986)(PS4_Supporting). The gnomAD database does not record the frequency of this variant in the population (PM2_Supporting). According to the ACMG guidelines, this variant is interpreted as pathogenic (PVS1 + PS2 + PS4_Supporting + PM2_Supporting).

Blueprint Genetics
Classification: Pathogenic for PTHLH-related disorders. Last evaluated: 2023-02-28. Review status: criteria provided, single submitter. Criteria: ACMG Guidelines, 2015. Collection method: clinical testing. Allele origin: germline. Affected: yes. Observed: 1 variant allele.